The following is an entry in ClinVar:

ClinVar aggregate classification (germline): Uncertain significance. Review status: criteria provided, multiple submitters, no conflicts (2 of 4 stars). 2 submissions from 2 submitters: Uncertain significance (2). Last evaluated 2022-06-10.

Allele frequency attached by ClinVar (database versions not stated): gnomAD exomes 0.00002.
gnomAD v4.1: 20 of 1,614,072 alleles (0.0012%); highest among the groups gnomAD compares: Admixed American, 0.0017%; no homozygotes.

Submissions (2):

Labcorp Genetics (formerly Invitae), Labcorp
Classification: Uncertain significance. Last evaluated: 2022-06-10. Review status: criteria provided, single submitter. Criteria: Invitae Variant Classification Sherloc (09022015). Collection method: clinical testing. Allele origin: germline.
Comment: In summary, the available evidence is currently insufficient to determine the role of this variant in disease. Therefore, it has been classified as a Variant of Uncertain Significance. Algorithms developed to predict the effect of missense changes on protein structure and function (SIFT, PolyPhen-2, Align-GVGD) all suggest that this variant is likely to be tolerated. This variant has not been reported in the literature in individuals affected with TUB-related conditions. This variant is present in population databases (no rsID available, gnomAD 0.004%). This sequence change replaces threonine, which is neutral and polar, with isoleucine, which is neutral and non-polar, at codon 157 of the TUB protein (p.Thr157Ile).

Blueprint Genetics
Classification: Uncertain significance. Last evaluated: 2021-05-29. Review status: criteria provided, single submitter. Criteria: ACMG Guidelines, 2015. Collection method: clinical testing. Allele origin: germline.

NM_177972.3(TUB):c.305C>T (p.Thr102Ile)

Genes: RIC3 (RIC3 acetylcholine receptor chaperone; minus strand), TUB (TUB bipartite transcription factor; plus strand). Cytogenetic location: 11p15.4.
Variant type: single nucleotide variant.
Coding change: c.305C>T on transcript NM_177972.3 (MANE Select); coding-DNA position 305, C replaced by T.
Protein change: p.Thr102Ile; replaces threonine 102 with isoleucine.
Molecular consequence: missense variant. On other transcripts: non-coding transcript variant (1).
Genome position (GRCh38, 1-based): chr11:8,094,097, C>T. VCF-style: chr11-8094097-C-T. GRCh37 (hg19) VCF-style: chr11-8115644-C-T.
Other names: c.470C>T, p.Thr157Ile (NM_003320.5); short protein forms T102I, T157I.
Identifiers: ClinVar variation 1464082 (VCV001464082.9), dbSNP rs1417870722, ClinGen allele CA379564616.